The following is an entry in ClinVar:

ClinVar aggregate classification (germline): Conflicting classifications of pathogenicity. Review status: criteria provided, conflicting classifications (1 of 4 stars). 11 submissions from 7 submitters: Uncertain significance (3); Benign (3); Likely benign (5). Last evaluated 2026-09-08.

Conditions:
Cardiovascular phenotype. Identifiers: MedGen CN230736.
Dilated cardiomyopathy 1G (CMD1G). Identifiers: Orphanet 154, MedGen C1858763, MONDO:0011400, OMIM 604145.
Autosomal recessive limb-girdle muscular dystrophy type 2J (LGMDR10). Also called: MUSCULAR DYSTROPHY, LIMB-GIRDLE, AUTOSOMAL RECESSIVE 10; Limb-girdle muscular dystrophy, type 2J. Identifiers: Orphanet 140922, MedGen C1837342, MONDO:0012127, OMIM 608807.
TTN-related disorder. Also called: TTN-related disorders; TTN-related condition; TTN-related disease.
Early-onset myopathy with fatal cardiomyopathy (CMYO5). Also called: CONGENITAL MYOPATHY 5 WITH CARDIOMYOPATHY; Salih Myopathy. Identifiers: Orphanet 289377, MedGen C2673677, MONDO:0012714, OMIM 611705. Disease mechanism: loss of function.
Tibial muscular dystrophy (TMD). Also called: Udd Distal Myopathy – Tibial Muscular Dystrophy; Tibial muscular dystrophy, tardive; UDD MYOPATHY. Identifiers: Orphanet 609, MedGen C1838244, MONDO:0010870, OMIM 600334.
Myopathy, myofibrillar, 9, with early respiratory failure (MFM9). Also called: Myopathy, distal, with early respiratory failure, autosomal dominant; Hereditary myopathy with early respiratory failure; MYOPATHY, PROXIMAL, WITH EARLY RESPIRATORY MUSCLE INVOLVEMENT; EDSTROM MYOPATHY. Identifiers: Orphanet 178464, Orphanet 34521, MedGen C1863599, MONDO:0011362, OMIM 603689.

Allele frequency attached by ClinVar (database versions not stated): gnomAD exomes 0.00002; ExAC 0.00004; gnomAD 0.00004 and 0.00005; ESP Exome Variant Server 0.00025; TOPMed 0.00006; 1000 Genomes Project 30x 0.00016; 1000 Genomes Project 0.00020.
gnomAD v4.1: 94 of 1,611,612 alleles (0.0058%); highest among the groups gnomAD compares: Middle Eastern, 0.05%; no homozygotes.

Submissions (11):

PreventionGenetics, part of Exact Sciences
Classification: Likely benign for TTN-related condition. Last evaluated: 2026-09-08. Review status: criteria provided, single submitter. Criteria: ACMG Guidelines, 2015. Collection method: clinical testing. Allele origin: germline.
Comment: This variant is classified as likely benign based on ACMG/AMP sequence variant interpretation guidelines (Richards et al. 2015 PMID: 25741868, with internal and published modifications).

Labcorp Genetics (formerly Invitae), Labcorp
Classification: Likely benign for Dilated cardiomyopathy 1G; Autosomal recessive limb-girdle muscular dystrophy type 2J. Last evaluated: 2026-01-14. Review status: criteria provided, single submitter. Criteria: Invitae Variant Classification Sherloc (09022015). Collection method: clinical testing. Allele origin: germline.

CeGaT Center for Human Genetics Tuebingen
Classification: Likely benign. Last evaluated: 2024-04-01. Review status: criteria provided, single submitter. Criteria: CeGaT Center For Human Genetics Tuebingen Variant Classification Criteria Version 2. Collection method: clinical testing. Allele origin: germline. Affected: yes. Observed: 3 variant alleles.
Comment: TTN: BP4, BP7

Ambry Genetics
Classification: Likely benign for Cardiovascular phenotype. Last evaluated: 2019-08-26. Review status: criteria provided, single submitter. Criteria: Ambry Variant Classification Scheme 2023. Collection method: clinical testing. Allele origin: germline.

Illumina Laboratory Services, Illumina
Classification: Benign for Tibial muscular dystrophy. Last evaluated: 2018-01-13. Review status: criteria provided, single submitter. Criteria: ICSL Variant Classification Criteria 13 December 2019. Collection method: clinical testing. Allele origin: germline.
Comment: This variant was observed in the ICSL laboratory as part of a predisposition screen in an ostensibly healthy population. It had not been previously curated by ICSL or reported in the Human Gene Mutation Database (HGMD: prior to June 1st, 2018), and was therefore a candidate for classification through an automated scoring system. Utilizing variant allele frequency, disease prevalence and penetrance estimates, and inheritance mode, an automated score was calculated to assess if this variant is too frequent to cause the disease. Based on the score and internal cut-off values, a variant classified as benign is not then subjected to further curation. The score for this variant resulted in a classification of benign for this disease.

Illumina Laboratory Services, Illumina
Classification: Uncertain significance for Dilated cardiomyopathy 1G. Last evaluated: 2018-01-13. Review status: criteria provided, single submitter. Criteria: ICSL Variant Classification Criteria 13 December 2019. Collection method: clinical testing. Allele origin: germline.

Illumina Laboratory Services, Illumina
Classification: Benign for Myopathy, myofibrillar, 9, with early respiratory failure. Last evaluated: 2018-01-13. Review status: criteria provided, single submitter. Criteria: ICSL Variant Classification Criteria 13 December 2019. Collection method: clinical testing. Allele origin: germline.
Comment: the same text as in the submission from Illumina Laboratory Services, Illumina above.

Illumina Laboratory Services, Illumina
Classification: Uncertain significance for Early-onset myopathy with fatal cardiomyopathy. Last evaluated: 2018-01-13. Review status: criteria provided, single submitter. Criteria: ICSL Variant Classification Criteria 13 December 2019. Collection method: clinical testing. Allele origin: germline.

Illumina Laboratory Services, Illumina
Classification: Uncertain significance for Autosomal recessive limb-girdle muscular dystrophy type 2J. Last evaluated: 2018-01-13. Review status: criteria provided, single submitter. Criteria: ICSL Variant Classification Criteria 13 December 2019. Collection method: clinical testing. Allele origin: germline.

GeneDx
Classification: Benign. Last evaluated: 2014-04-15. Review status: criteria provided, single submitter. Criteria: GeneDx Variant Classification (06012015). Collection method: clinical testing. Allele origin: germline. Affected: yes.
Comment: This variant is considered likely benign or benign based on one or more of the following criteria: it is a conservative change, it occurs at a poorly conserved position in the protein, it is predicted to be benign by multiple in silico algorithms, and/or has population frequency not consistent with disease.

Laboratory for Molecular Medicine, Mass General Brigham Personalized Medicine
Classification: Likely benign. Last evaluated: 2012-03-19. Review status: criteria provided, single submitter. Criteria: LMM Criteria. Collection method: clinical testing. Allele origin: germline. Observed: 1 variant allele.
Comment: Cys12894Cys in exon 198 of TTN: This variant is not expected to have clinical si gnificance because it does not alter an amino acid residue and is not located wi thin the splice consensus sequence. It has been identified in 1/2992 African Ame rican chromosomes from a broad population by the NHLBI Exome Sequencing Project (dbSNP rs147703145). Cys12894Cys in exon 198 of TTN (rs147703145; allele frequency = 1/2992) **

NM_001267550.2(TTN):c.46386C>T (p.Cys15462=)

Genes: TTN (titin; minus strand), TTN-AS1 (TTN antisense RNA 1; plus strand). Cytogenetic location: 2q31.2.
Variant type: single nucleotide variant.
Coding change: c.46386C>T on transcript NM_001267550.2 (MANE Select); coding-DNA position 46386, C replaced by T.
Protein change: p.Cys15462=; no amino-acid change (cysteine 15462 retained).
Molecular consequence: synonymous variant. On other transcripts: non-coding transcript variant (1).
Genome position (GRCh38, 1-based): chr2:178,620,031, G>A on the plus strand (C>T on the coding strand, the complement: TTN is on the minus strand). VCF-style: chr2-178620031-G-A. GRCh37 (hg19) VCF-style: chr2-179484758-G-A.
Other names: p.C13821C:TGC>TGT; c.41463C>T, p.Cys13821= (NM_001256850.1); c.19191C>T, p.Cys6397= (NM_003319.4); c.38682C>T, p.Cys12894= (NM_133378.4); c.19566C>T, p.Cys6522= (NM_133432.3); c.19767C>T, p.Cys6589= (NM_133437.4).
Identifiers: ClinVar variation 46999 (VCV000046999.45), dbSNP rs147703145, ClinGen allele CA283286.